The following is an entry in ClinVar:

ClinVar aggregate classification (germline): Uncertain significance. Review status: criteria provided, multiple submitters, no conflicts (2 of 4 stars). 3 submissions from 3 submitters: Uncertain significance (3). Last evaluated 2023-07-25.

Conditions:
HNSHA due to aldolase A deficiency (GSD12). Also called: GSD XII; Glycogen storage disease due to aldolase A deficiency; RED CELL ALDOLASE DEFICIENCY; GLYCOGEN STORAGE DISEASE XII. Identifiers: Orphanet 57, MedGen C0272066, MONDO:0012747, OMIM 611881.
Inborn genetic diseases. Identifiers: MedGen C0950123, MeSH D030342.

Allele frequency attached by ClinVar (database versions not stated): gnomAD 0.00007; TOPMed 0.00008.
gnomAD v4.1: 54 of 1,613,246 alleles (0.0033%); highest among the groups gnomAD compares: African/African-American, 0.0053%; no homozygotes.

Submissions (3):

Ambry Genetics
Classification: Uncertain significance for Inborn genetic diseases. Last evaluated: 2023-07-25. Review status: criteria provided, single submitter. Criteria: Ambry Variant Classification Scheme 2023. Collection method: clinical testing. Allele origin: germline.

Revvity Omics, Revvity
Classification: Uncertain significance for HNSHA due to aldolase A deficiency. Last evaluated: 2023-06-26. Review status: criteria provided, single submitter. Criteria: ACMG Guidelines, 2015. Collection method: clinical testing. Allele origin: germline.

Labcorp Genetics (formerly Invitae), Labcorp
Classification: Uncertain significance for HNSHA due to aldolase A deficiency. Last evaluated: 2022-07-21. Review status: criteria provided, single submitter. Criteria: Invitae Variant Classification Sherloc (09022015). Collection method: clinical testing. Allele origin: germline.
Comment: This sequence change replaces histidine, which is basic and polar, with tyrosine, which is neutral and polar, at codon 21 of the ALDOA protein (p.His21Tyr). This variant is present in population databases (rs766734350, gnomAD 0.007%). This variant has not been reported in the literature in individuals affected with ALDOA-related conditions. ClinVar contains an entry for this variant (Variation ID: 318825). Algorithms developed to predict the effect of missense changes on protein structure and function (SIFT, PolyPhen-2, Align-GVGD) all suggest that this variant is likely to be tolerated. In summary, the available evidence is currently insufficient to determine the role of this variant in disease. Therefore, it has been classified as a Variant of Uncertain Significance.

NM_001243177.4(ALDOA):c.223C>T (p.His75Tyr)

Genes: ALDOA (aldolase, fructose-bisphosphate A; plus strand), LOC112694756 (uncharaterized LOC112694756; plus strand). Cytogenetic location: 16p11.2.
Variant type: single nucleotide variant.
Coding change: c.223C>T on transcript NM_001243177.4 (MANE Select); coding-DNA position 223, C replaced by T.
Protein change: p.His75Tyr; replaces histidine 75 with tyrosine.
Molecular consequence: missense variant. On other transcripts: 3 prime UTR variant (3).
Genome position (GRCh38, 1-based): chr16:30,067,315, C>T. VCF-style: chr16-30067315-C-T. GRCh37 (hg19) VCF-style: chr16-30078636-C-T.
Other names: c.*570C>T (NM_001365304.2, NM_001365305.2, NM_001365307.2); c.61C>T, p.His21Tyr (NM_001127617.2, NM_184041.5, NM_184043.2); short protein forms H21Y, H75Y.
Identifiers: ClinVar variation 318825 (VCV000318825.11), dbSNP rs766734350, ClinGen allele CA8000853.
Genomic context (GRCh38, chr16:30,067,315, plus strand): 5'-ATGCCCTACCAATATCCAGCACTGACCCCGGAGCAGAAGAAGGAGCTGTCTGACATCGCT[C>T]ACCGCATCGTGGCACCTGGCAAGGGCATCCTGGCTGCAGATGAGTCCACTGGTGCGGGCA-3'
Protein context (NP_001230106.1, residues 65-85): EQKKELSDIA[His75Tyr]RIVAPGKGIL